The following is an entry in ClinVar:

ClinVar aggregate classification (germline): Uncertain significance (1 of 4 stars; one submission).

Conditions:
Ritscher-Schinzel syndrome 4. Identifiers: MedGen C5561939, MONDO:0030331, OMIM 619435.

Submission:

Laboratorio de Genetica e Diagnostico Molecular, Hospital Israelita Albert Einstein
Classification: Uncertain significance for Ritscher-Schinzel syndrome 4. Last evaluated: 2026-01-27. Review status: criteria provided, single submitter. Criteria: ACMG Guidelines, 2015. Collection method: clinical testing. Allele origin: germline. Affected: yes.
Comment: ACMG classification criteria: PM2 supporting, PP2 supporting, PP3 supporting

NM_020134.4(DPYSL5):c.1196A>T (p.Asp399Val)

Gene: DPYSL5 (dihydropyrimidinase like 5; plus strand). Cytogenetic location: 2p23.3.
Variant type: single nucleotide variant.
Coding change: c.1196A>T on transcript NM_020134.4 (MANE Select); coding-DNA position 1196, A replaced by T.
Protein change: p.Asp399Val; replaces aspartic acid 399 with valine.
Molecular consequence: missense variant.
Genome position (GRCh38, 1-based): chr2:26,942,056, A>T. VCF-style: chr2-26942056-A-T. GRCh37 (hg19) VCF-style: chr2-27164924-A-T.
Other names: c.1196A>T, p.Asp399Val (NM_001253723.2, NM_001253724.2); short protein forms D399V.
Identifiers: ClinVar variation 4846780 (VCV004846780.1).